The following is an entry in ClinVar:

ClinVar aggregate classification (germline): Uncertain significance (1 of 4 stars; one submission).

Conditions:
Congenital myopathy with internal nuclei and atypical cores. Also called: Myopathy, centronuclear, 4. Identifiers: Orphanet 319160, MedGen C4707232, MONDO:0013890, OMIM 614807.

Submission:

Labcorp Genetics (formerly Invitae), Labcorp
Classification: Uncertain significance for Congenital myopathy with internal nuclei and atypical cores. Last evaluated: 2025-09-10. Review status: criteria provided, single submitter. Criteria: Invitae Variant Classification Sherloc (09022015). Collection method: clinical testing. Allele origin: germline.
Comment: This sequence change creates a premature translational stop signal (p.Gln324Lysfs*6) in the CCDC78 gene. It is expected to result in an absent or disrupted protein product. However, the current clinical and genetic evidence is not sufficient to establish whether loss-of-function variants in CCDC78 cause disease. This variant is not present in population databases (gnomAD no frequency). This variant has not been reported in the literature in individuals affected with CCDC78-related conditions. In summary, the available evidence is currently insufficient to determine the role of this variant in disease. Therefore, it has been classified as a Variant of Uncertain Significance.

NM_001378030.1(CCDC78):c.970del (p.Gln324fs)

Gene: CCDC78 (coiled-coil domain containing 78; minus strand). Cytogenetic location: 16p13.3.
Variant type: Deletion.
Coding change: c.970del on transcript NM_001378030.1 (MANE Select); coding-DNA position 970, one base deleted (C; older notation c.970delC).
Protein change: p.Gln324fs; shifts the reading frame from glutamine 324.
Molecular consequence: frameshift variant. On other transcripts: non-coding transcript variant (5), intron variant (1).
Genome position (GRCh38, 1-based): chr16:724,189, G deleted on the plus strand (C on the coding strand, the reverse complement: CCDC78 is on the minus strand); the first of 5 consecutive G bases (chr16:724,189-724,193); deleting any one gives the same sequence. VCF-style (leftmost placement, unchanged base first): chr16-724188-TG-T. GRCh37 (hg19) VCF-style: chr16-774188-TG-T.
Other names: c.970del, p.Gln324fs (NM_001031737.3); c.403del, p.Gln135fs (NM_001378033.1); c.953+133del (NM_001378031.1); short protein forms Q135fs, Q324fs.
Identifiers: ClinVar variation 4697150 (VCV004697150.1).